The following is an entry in ClinVar:

NM_007294.4(BRCA1):c.135-4494T>C

Gene: BRCA1 (BRCA1 DNA repair associated; minus strand). Cytogenetic location: 17q21.31.
Variant type: single nucleotide variant.
Coding change: c.135-4494T>C on transcript NM_007294.4 (MANE Select); 4494 bases into the intron before coding-DNA position 135, T replaced by C.
Molecular consequence: intron variant.
Genome position (GRCh38, 1-based): chr17:43,111,027, A>G on the plus strand (T>C on the coding strand, the complement: BRCA1 is on the minus strand). VCF-style: chr17-43111027-A-G. GRCh37 (hg19) VCF-style: chr17-41263044-A-G.
Other names: IVS 3-4494T>C; c.-54-4494T>C (NM_001408506.1, NM_001408481.1, NM_001408480.1 and 55 more transcripts); c.135-4494T>C (NM_001408408.1, NM_001407647.1, NM_001408446.1 and 167 more transcripts); c.-170-447T>C (NM_001408492.1, NM_001407900.1); c.-123-447T>C (NM_001408468.1, NM_001407842.1, NM_001407749.1 and 13 more transcripts); c.-55+1460T>C (NM_001407889.1); c.-8+1460T>C (NM_001407695.1); c.-7-4494T>C (NM_001407846.1, NM_001407726.1, NM_001408503.1 and 81 more transcripts); and 8 more.
Identifiers: ClinVar variation 209512 (VCV000209512.2), dbSNP rs12936316, ClinGen allele CA276481.
Genomic context (GRCh38, chr17:43,111,027, plus strand): 5'-GGTGCACGCCTGTAATCCCAGCTACTTGGGAGGCTGAGGCAGGAGAATCACTTGAACCAG[A>G]GAGGCAGAGGCTGCAGTGAGCCGAGATTGTACCACTGCACTCCAGCCTGGGCAACAGAAC-3'

ClinVar aggregate classification (germline): Benign (3 of 4 stars; one submission).

Conditions:
Breast-ovarian cancer, familial, susceptibility to, 1 (BROVCA1). Also called: BRCA1 Hereditary Breast and Ovarian Cancer; OVARIAN CANCER, SUSCEPTIBILITY TO. Identifiers: Orphanet 145, MedGen C2676676, MONDO:0011450, OMIM 604370. Disease mechanism: loss of function.

Allele frequency attached by ClinVar (database versions not stated): TOPMed 0.30099; gnomAD 0.30791 and 0.31542; 1000 Genomes Project 30x 0.34650; 1000 Genomes Project 0.35224.
gnomAD v4.1: 47,338 of 150,014 alleles (32%); highest among the groups gnomAD compares: South Asian, 49%; 7,751 homozygotes.

Submission:

Evidence-based Network for the Interpretation of Germline Mutant Alleles (ENIGMA)
Classification: Benign for Breast-ovarian cancer, familial 1. Last evaluated: 2015-01-12. Review status: reviewed by expert panel. Criteria: ENIGMA BRCA1/2 Classification Criteria (2015). Collection method: curation. Allele origin: germline.
Comment: Class 1 not pathogenic based on frequency >1% in an outbred sampleset. Frequency 0.3304 (Asian), 0.2215 (African), 0.3562 (European), derived from 1000 genomes (2012-04-30).